The following is an entry in ClinVar:

NM_004329.3(BMPR1A):c.1538C>G (p.Thr513Arg)

Gene: BMPR1A (bone morphogenetic protein receptor type 1A; plus strand). Cytogenetic location: 10q23.2.
Variant type: single nucleotide variant.
Coding change: c.1538C>G on transcript NM_004329.3 (MANE Select); coding-DNA position 1538, C replaced by G.
Protein change: p.Thr513Arg; replaces threonine 513 with arginine.
Molecular consequence: missense variant.
Genome position (GRCh38, 1-based): chr10:86,923,658, C>G. VCF-style: chr10-86923658-C-G. GRCh37 (hg19) VCF-style: chr10-88683415-C-G.
Other names: short protein forms T513R.
Identifiers: ClinVar variation 485370 (VCV000485370.11), dbSNP rs1201398448, ClinGen allele CA377463884.

ClinVar aggregate classification (germline): Uncertain significance. Review status: criteria provided, multiple submitters, no conflicts (2 of 4 stars). 2 submissions from 2 submitters: Uncertain significance (2). Last evaluated 2025-11-12.

Conditions:
Hereditary cancer-predisposing syndrome. Also called: Hereditary neoplastic syndrome; Neoplastic Syndromes, Hereditary; Tumor predisposition; Hereditary Cancer Syndrome. Identifiers: Orphanet 140162, MedGen C0027672, MeSH D009386, MONDO:0015356.
Juvenile polyposis syndrome (JPS). Identifiers: Orphanet 2929, MedGen C0345893, MONDO:0017380, OMIM 174900.

Allele frequency attached by ClinVar (database versions not stated): gnomAD exomes below 0.00001; gnomAD 0.00001; TOPMed 0.00002.
gnomAD v4.1: 3 of 1,614,100 alleles (0.00019%); highest among the groups gnomAD compares: Non-Finnish European, 0.00025%; no homozygotes.

Submissions (2):

Ambry Genetics
Classification: Uncertain significance for Hereditary cancer-predisposing syndrome. Last evaluated: 2025-11-12. Review status: criteria provided, single submitter. Criteria: Ambry Variant Classification Scheme 2023. Collection method: clinical testing. Allele origin: germline.
Comment: The p.T513R variant (also known as c.1538C>G), located in coding exon 11 of the BMPR1A gene, results from a C to G substitution at nucleotide position 1538. The threonine at codon 513 is replaced by arginine, an amino acid with similar properties. This amino acid position is highly in available vertebrate species. In addition, this alteration is predicted to be deleterious by in silico analysis. Based on the available evidence, the clinical significance of this variant remains unclear.

Labcorp Genetics (formerly Invitae), Labcorp
Classification: Uncertain significance for Juvenile polyposis syndrome. Last evaluated: 2024-11-18. Review status: criteria provided, single submitter. Criteria: Invitae Variant Classification Sherloc (09022015). Collection method: clinical testing. Allele origin: germline.
Comment: This sequence change replaces threonine, which is neutral and polar, with arginine, which is basic and polar, at codon 513 of the BMPR1A protein (p.Thr513Arg). This variant is not present in population databases (gnomAD no frequency). This variant has not been reported in the literature in individuals affected with BMPR1A-related conditions. ClinVar contains an entry for this variant (Variation ID: 485370). Invitae Evidence Modeling of protein sequence and biophysical properties (such as structural, functional, and spatial information, amino acid conservation, physicochemical variation, residue mobility, and thermodynamic stability) indicates that this missense variant is not expected to disrupt BMPR1A protein function with a negative predictive value of 80%. In summary, the available evidence is currently insufficient to determine the role of this variant in disease. Therefore, it has been classified as a Variant of Uncertain Significance.